The following is an entry in ClinVar:

NM_000553.6(WRN):c.2930T>C (p.Phe977Ser)

Gene: WRN (WRN RecQ like helicase; plus strand). Cytogenetic location: 8p12.
Variant type: single nucleotide variant.
Coding change: c.2930T>C on transcript NM_000553.6 (MANE Select); coding-DNA position 2930, T replaced by C.
Protein change: p.Phe977Ser; replaces phenylalanine 977 with serine.
Molecular consequence: missense variant.
Genome position (GRCh38, 1-based): chr8:31,132,469, T>C. VCF-style: chr8-31132469-T-C. GRCh37 (hg19) VCF-style: chr8-30989985-T-C.
Other names: short protein forms F977S.
Identifiers: ClinVar variation 652173 (VCV000652173.5), dbSNP rs1240153902, ClinGen allele CA370919169.
Genomic context (GRCh38, chr8:31,132,469, plus strand): 5'-GGGACTTTGGTCCACAAGCATTTAAGCTTTTGTCTGCTGTGGACATCTTAGGCGAAAAAT[T>C]TGGAATTGGGCTTCCAATTTTATTTCTCCGAGGATCTGTAAGTATATATCTGTGAATTCC-3'
Protein context (NP_000544.2, residues 967-987): LSAVDILGEK[Phe977Ser]GIGLPILFLR

ClinVar aggregate classification (germline): Uncertain significance (1 of 4 stars; one submission).

Conditions:
Werner syndrome (WRN). Identifiers: Orphanet 902, MedGen C0043119, MONDO:0010196, OMIM 277700.

Allele frequency attached by ClinVar (database versions not stated): gnomAD 0.00001; TOPMed 0.00001; gnomAD exomes 0.00003.
gnomAD v4.1: 38 of 1,614,028 alleles (0.0024%); highest among the groups gnomAD compares: Non-Finnish European, 0.0031%; no homozygotes.

Submission:

Labcorp Genetics (formerly Invitae), Labcorp
Classification: Uncertain significance for Werner syndrome. Last evaluated: 2025-07-14. Review status: criteria provided, single submitter. Criteria: Invitae Variant Classification Sherloc (09022015). Collection method: clinical testing. Allele origin: germline.
Comment: This sequence change replaces phenylalanine, which is neutral and non-polar, with serine, which is neutral and polar, at codon 977 of the WRN protein (p.Phe977Ser). This variant is not present in population databases (gnomAD no frequency). This variant has not been reported in the literature in individuals affected with WRN-related conditions. ClinVar contains an entry for this variant (Variation ID: 652173). An algorithm developed to predict the effect of missense changes on protein structure and function (PolyPhen-2) suggests that this variant is likely to be disruptive. In summary, the available evidence is currently insufficient to determine the role of this variant in disease. Therefore, it has been classified as a Variant of Uncertain Significance.